The following is an entry in ClinVar:

NM_001199397.3(NEK1):c.344C>T (p.Ala115Val)

Gene: NEK1 (NIMA related kinase 1; minus strand). Cytogenetic location: 4q33.
Variant type: single nucleotide variant.
Coding change: c.344C>T on transcript NM_001199397.3 (MANE Select); coding-DNA position 344, C replaced by T.
Protein change: p.Ala115Val; replaces alanine 115 with valine.
Molecular consequence: missense variant. On other transcripts: non-coding transcript variant (2).
Genome position (GRCh38, 1-based): chr4:169,590,778, G>A on the plus strand (C>T on the coding strand, the complement: NEK1 is on the minus strand). VCF-style: chr4-169590778-G-A. GRCh37 (hg19) VCF-style: chr4-170511929-G-A.
Other names: c.344C>T, p.Ala115Val (NM_001199398.3, NM_001199399.3, NM_001199400.3 and 7 more transcripts); short protein forms A115V.
Identifiers: ClinVar variation 1514758 (VCV001514758.8), dbSNP rs1581011769, ClinGen allele CA358741582.

ClinVar aggregate classification (germline): Uncertain significance (1 of 4 stars; one submission).

Conditions:
Short-rib thoracic dysplasia 6 with or without polydactyly (SRTD6). Also called: Majewski Syndrome; SHORT-RIB THORACIC DYSPLASIA 6 WITH POLYDACTYLY; SHORT-RIB THORACIC DYSPLASIA 6 WITHOUT POLYDACTYLY; POLYDACTYLY WITH NEONATAL CHONDRODYSTROPHY, TYPE II; SHORT RIB-POLYDACTYLY SYNDROME, TYPE IIA. Identifiers: MedGen C0024507, MONDO:0009894, OMIM 263520.

gnomAD v4.1: 3 of 1,598,406 alleles (0.00019%); highest among the groups gnomAD compares: East Asian, 0.0022%; no homozygotes.

Submission:

Labcorp Genetics (formerly Invitae), Labcorp
Classification: Uncertain significance for Short-rib thoracic dysplasia 6 with or without polydactyly. Last evaluated: 2021-07-17. Review status: criteria provided, single submitter. Criteria: Invitae Variant Classification Sherloc (09022015). Collection method: clinical testing. Allele origin: germline.
Comment: In summary, the available evidence is currently insufficient to determine the role of this variant in disease. Therefore, it has been classified as a Variant of Uncertain Significance. Advanced modeling of protein sequence and biophysical properties (such as structural, functional, and spatial information, amino acid conservation, physicochemical variation, residue mobility, and thermodynamic stability) performed at Invitae indicates that this missense variant is expected to disrupt NEK1 protein function. This variant has not been reported in the literature in individuals affected with NEK1-related conditions. This variant is not present in population databases (ExAC no frequency). This sequence change replaces alanine with valine at codon 115 of the NEK1 protein (p.Ala115Val). The alanine residue is highly conserved and there is a small physicochemical difference between alanine and valine.